The following is an entry in ClinVar:

ClinVar aggregate classification (germline): Likely benign. Review status: criteria provided, multiple submitters, no conflicts (2 of 4 stars). 3 submissions from 3 submitters: Likely benign (2). 1 of the submissions does not count toward it. Last evaluated 2025-07-03.

Conditions:
NME8-related disorder. Also called: NME8-related condition.
Primary ciliary dyskinesia 6. Also called: Primary Ciliary Dyskinesia 6: TXNDC3-Related Primary Ciliary Dyskinesia. Identifiers: Orphanet 244, MedGen C1970506, MONDO:0012571, OMIM 610852.

Allele frequency attached by ClinVar (database versions not stated): ExAC 0.00003; gnomAD exomes 0.00005; gnomAD 0.00006; TOPMed 0.00006; ESP Exome Variant Server 0.00015; 1000 Genomes Project 30x 0.00016; 1000 Genomes Project 0.00020.
gnomAD v4.1: 86 of 1,605,402 alleles (0.0054%); highest among the groups gnomAD compares: Middle Eastern, 0.033%; no homozygotes.

Submissions (3):

Labcorp Genetics (formerly Invitae), Labcorp
Classification: Likely benign for Primary ciliary dyskinesia 6. Last evaluated: 2025-07-03. Review status: criteria provided, single submitter. Criteria: Invitae Variant Classification Sherloc (09022015). Collection method: clinical testing. Allele origin: germline.

Blueprint Genetics
Classification: Likely benign. Last evaluated: 2024-06-12. Review status: criteria provided, single submitter. Criteria: ACMG Guidelines, 2015. Collection method: clinical testing. Allele origin: germline.

PreventionGenetics, part of Exact Sciences
Classification: Likely benign for NME8-related condition. Last evaluated: 2019-06-17. Review status: no assertion criteria provided. Collection method: clinical testing. Allele origin: germline. Not counted in ClinVar's aggregate classification.
Comment: This variant is classified as likely benign based on ACMG/AMP sequence variant interpretation guidelines (Richards et al. 2015 PMID: 25741868, with internal and published modifications).

NM_016616.5(NME8):c.1062G>A (p.Ser354=)

Gene: NME8 (NME/NM23 family member 8; plus strand). Cytogenetic location: 7p14.1.
Variant type: single nucleotide variant.
Coding change: c.1062G>A on transcript NM_016616.5 (MANE Select); coding-DNA position 1062, G replaced by A.
Protein change: p.Ser354=; no amino-acid change (serine 354 retained).
Molecular consequence: synonymous variant.
Genome position (GRCh38, 1-based): chr7:37,884,370, G>A. VCF-style: chr7-37884370-G-A. GRCh37 (hg19) VCF-style: chr7-37923972-G-A.
Other names: c.1062G>A (NM_016616.4).
Identifiers: ClinVar variation 2157173 (VCV002157173.7), dbSNP rs148479667, ClinGen allele CA4222412.